The following is an entry in ClinVar:

ClinVar aggregate classification (germline): Uncertain significance (1 of 4 stars; one submission).

Submission:

Women's Health and Genetics/Laboratory Corporation of America, LabCorp
Classification: Uncertain significance. Last evaluated: 2023-07-05. Review status: criteria provided, single submitter. Criteria: LabCorp Variant Classification Summary - May 2015. Collection method: clinical testing. Allele origin: germline.
Comment: Variant summary: TGFBR2 c.699C>A (p.Asn233Lys) results in a non-conservative amino acid change in the encoded protein sequence. Four of five in-silico tools predict a damaging effect of the variant on protein function. The variant was absent in 250614 control chromosomes (gnomAD). The available data on variant occurrences in the general population are insufficient to allow any conclusion about variant significance. To our knowledge, no occurrence of c.699C>A in individuals affected with Loeys-Dietz Syndrome and no experimental evidence demonstrating its impact on protein function have been reported. No submitters have reported clinical-significance assessments for this variant to ClinVar after 2014. Based on the evidence outlined above, the variant was classified as uncertain significance.

NM_003242.6(TGFBR2):c.699C>A (p.Asn233Lys)

Gene: TGFBR2 (transforming growth factor beta receptor 2; plus strand). Cytogenetic location: 3p24.1.
Variant type: single nucleotide variant.
Coding change: c.699C>A on transcript NM_003242.6 (MANE Select); coding-DNA position 699, C replaced by A.
Protein change: p.Asn233Lys; replaces asparagine 233 with lysine.
Molecular consequence: missense variant. On other transcripts: intron variant (1).
Genome position (GRCh38, 1-based): chr3:30,671,882, C>A. VCF-style: chr3-30671882-C-A. GRCh37 (hg19) VCF-style: chr3-30713374-C-A.
Other names: c.774C>A, p.Asn258Lys (NM_001024847.3); c.882C>A, p.Asn294Lys (NM_001407126.1); c.807C>A, p.Asn269Lys (NM_001407127.1); c.726C>A, p.Asn242Lys (NM_001407128.1); c.702C>A, p.Asn234Lys (NM_001407129.1); c.699C>A, p.Asn233Lys (NM_001407130.1); c.594C>A, p.Asn198Lys (NM_001407132.1, NM_001407133.1, NM_001407134.1 and 2 more transcripts); c.414C>A, p.Asn138Lys (NM_001407137.1); and 2 more; short protein forms N113K, N138K, N198K, N233K, N234K, N242K, N258K, N269K.
Identifiers: ClinVar variation 2577389 (VCV002577389.1), dbSNP rs2125434070, ClinGen allele CA351807675.
Genomic context (GRCh38, chr3:30,671,882, plus strand): 5'-CGAGCACTGTGCCATCATCCTGGAAGATGACCGCTCTGACATCAGCTCCACGTGTGCCAA[C>A]AACATCAACCACAACACAGAGCTGCTGCCCATTGAGCTGGACACCCTGGTGGGGAAAGGT-3'
Protein context (NP_003233.4, residues 223-243): DRSDISSTCA[Asn233Lys]NINHNTELLP